The following is an entry in ClinVar:

NM_016653.3(MAP3K20):c.2354C>A (p.Thr785Asn)

Genes: MAP3K20 (mitogen-activated protein kinase kinase kinase 20; plus strand), MAP3K20-AS1 (MAP3K20 antisense RNA 1; minus strand). Cytogenetic location: 2q31.1.
Variant type: single nucleotide variant.
Coding change: c.2354C>A on transcript NM_016653.3 (MANE Select); coding-DNA position 2354, C replaced by A.
Protein change: p.Thr785Asn; replaces threonine 785 with asparagine.
Molecular consequence: missense variant.
Genome position (GRCh38, 1-based): chr2:173,266,701, C>A. VCF-style: chr2-173266701-C-A. GRCh37 (hg19) VCF-style: chr2-174131429-C-A.
Other names: short protein forms T785N.
Identifiers: ClinVar variation 1467223 (VCV001467223.3), dbSNP rs903513737, ClinGen allele CA349318350.

ClinVar aggregate classification (germline): Uncertain significance (1 of 4 stars; one submission).

Allele frequency attached by ClinVar (database versions not stated): gnomAD 0.00001; gnomAD exomes 0.00001.
gnomAD v4.1: 23 of 1,589,390 alleles (0.0014%); highest among the groups gnomAD compares: Middle Eastern, 0.017%; no homozygotes.

Submission:

Labcorp Genetics (formerly Invitae), Labcorp
Classification: Uncertain significance. Last evaluated: 2022-08-02. Review status: criteria provided, single submitter. Criteria: Invitae Variant Classification Sherloc (09022015). Collection method: clinical testing. Allele origin: germline.
Comment: This sequence change replaces threonine, which is neutral and polar, with asparagine, which is neutral and polar, at codon 785 of the MAP3K20 protein (p.Thr785Asn). The frequency data for this variant in the population databases is considered unreliable, as metrics indicate poor data quality at this position in the gnomAD database. This variant has not been reported in the literature in individuals affected with MAP3K20-related conditions. ClinVar contains an entry for this variant (Variation ID: 1467223). Experimental studies and prediction algorithms are not available or were not evaluated, and the functional significance of this variant is currently unknown. In summary, the available evidence is currently insufficient to determine the role of this variant in disease. Therefore, it has been classified as a Variant of Uncertain Significance.